The following is an entry in ClinVar:

NM_021926.4(ALX4):c.*3123G>A

Gene: ALX4 (ALX homeobox 4; minus strand). Cytogenetic location: 11p11.2.
Variant type: single nucleotide variant.
Coding change: c.*3123G>A on transcript NM_021926.4 (MANE Select); 3123 bases downstream of the stop codon, G replaced by A.
Molecular consequence: 3 prime UTR variant.
Genome position (GRCh38, 1-based): chr11:44,261,731, C>T on the plus strand (G>A on the coding strand, the complement: ALX4 is on the minus strand). VCF-style: chr11-44261731-C-T. GRCh37 (hg19) VCF-style: chr11-44283281-C-T.
Identifiers: ClinVar variation 878886 (VCV000878886.4), dbSNP rs182987016, ClinGen allele CA221484296.

ClinVar aggregate classification (germline): Benign (1 of 4 stars; one submission).

Conditions:
Parietal foramina 2 (PFM2). Identifiers: Orphanet 60015, MedGen C1865044, MONDO:0012309, OMIM 609597.

Allele frequency attached by ClinVar (database versions not stated): gnomAD 0.00174 and 0.00175; TOPMed 0.00182; 1000 Genomes Project 0.00240; 1000 Genomes Project 30x 0.00265.

Submission:

Illumina Laboratory Services, Illumina
Classification: Benign for Parietal foramina 2. Last evaluated: 2018-01-13. Review status: criteria provided, single submitter. Criteria: ICSL Variant Classification Criteria 13 December 2019. Collection method: clinical testing. Allele origin: germline.
Comment: This variant was observed in the ICSL laboratory as part of a predisposition screen in an ostensibly healthy population. It had not been previously curated by ICSL or reported in the Human Gene Mutation Database (HGMD: prior to June 1st, 2018), and was therefore a candidate for classification through an automated scoring system. Utilizing variant allele frequency, disease prevalence and penetrance estimates, and inheritance mode, an automated score was calculated to assess if this variant is too frequent to cause the disease. Based on the score and internal cut-off values, a variant classified as benign is not then subjected to further curation. The score for this variant resulted in a classification of benign for this disease.